The following is an entry in ClinVar:

NM_015135.3(NUP205):c.770C>A (p.Thr257Lys)

Gene: NUP205 (nucleoporin 205; plus strand). Cytogenetic location: 7q33.
Variant type: single nucleotide variant.
Coding change: c.770C>A on transcript NM_015135.3 (MANE Select); coding-DNA position 770, C replaced by A.
Protein change: p.Thr257Lys; replaces threonine 257 with lysine.
Molecular consequence: missense variant. On other transcripts: 5 prime UTR variant (1).
Genome position (GRCh38, 1-based): chr7:135,577,917, C>A. VCF-style: chr7-135577917-C-A. GRCh37 (hg19) VCF-style: chr7-135262665-C-A.
Other names: c.-316C>A (NM_001329434.2); c.770C>A (NM_015135.2); short protein forms T257K.
Identifiers: ClinVar variation 1953111 (VCV001953111.6), dbSNP rs769116129, ClinGen allele CA4497930.

ClinVar aggregate classification (germline): Uncertain significance. Review status: criteria provided, multiple submitters, no conflicts (2 of 4 stars). 2 submissions from 2 submitters: Uncertain significance (2). Last evaluated 2025-08-05.

Allele frequency attached by ClinVar (database versions not stated): gnomAD exomes below 0.00001; ExAC 0.00001.
gnomAD v4.1: 1 of 1,614,018 alleles (0.000062%); highest among the groups gnomAD compares: Non-Finnish European, 0.000085%; no homozygotes.

Submissions (2):

Ambry Genetics
Classification: Uncertain significance. Last evaluated: 2025-08-05. Review status: criteria provided, single submitter. Criteria: Ambry Variant Classification Scheme 2023. Collection method: clinical testing. Allele origin: germline.

Labcorp Genetics (formerly Invitae), Labcorp
Classification: Uncertain significance. Last evaluated: 2023-08-04. Review status: criteria provided, single submitter. Criteria: Invitae Variant Classification Sherloc (09022015). Collection method: clinical testing. Allele origin: germline.
Comment: In summary, the available evidence is currently insufficient to determine the role of this variant in disease. Therefore, it has been classified as a Variant of Uncertain Significance. Advanced modeling of protein sequence and biophysical properties (such as structural, functional, and spatial information, amino acid conservation, physicochemical variation, residue mobility, and thermodynamic stability) performed at Invitae indicates that this missense variant is not expected to disrupt NUP205 protein function. ClinVar contains an entry for this variant (Variation ID: 1953111). This variant has not been reported in the literature in individuals affected with NUP205-related conditions. This variant is present in population databases (rs769116129, gnomAD 0.002%). This sequence change replaces threonine, which is neutral and polar, with lysine, which is basic and polar, at codon 257 of the NUP205 protein (p.Thr257Lys).